The following is an entry in ClinVar:

NM_002900.3(RBP3):c.2341G>A (p.Asp781Asn)

Gene: RBP3 (retinol binding protein 3; plus strand). Cytogenetic location: 10q11.22.
Variant type: single nucleotide variant.
Coding change: c.2341G>A on transcript NM_002900.3 (MANE Select); coding-DNA position 2341, G replaced by A.
Protein change: p.Asp781Asn; replaces aspartic acid 781 with asparagine.
Molecular consequence: missense variant.
Genome position (GRCh38, 1-based): chr10:47,350,825, G>A. VCF-style: chr10-47350825-G-A. GRCh37 (hg19) VCF-style: chr10-48388537-C-T.
Other names: short protein forms D781N.
Identifiers: ClinVar variation 2155953 (VCV002155953.4), dbSNP rs145285304, ClinGen allele CA5487303.
Genomic context (GRCh38, chr10:47,350,825, plus strand): 5'-GGGCCACAGCTGGTGCGGCTGGTATGGCAACAGCTGGTGGACACGGCTGCGCTGGTGATC[G>A]ACCTGCGCTACAACCCTGGCAGCTACTCCACGGCCATCCCGCTGCTCTGCTCCTACTTCT-3'
Protein context (NP_002891.1, residues 771-791): QLVDTAALVI[Asp781Asn]LRYNPGSYST

ClinVar aggregate classification (germline): Uncertain significance. Review status: criteria provided, multiple submitters, no conflicts (2 of 4 stars). 2 submissions from 2 submitters: Uncertain significance (2). Last evaluated 2024-09-09.

Conditions:
Retinal dystrophy. Also called: Inherited retinal dystrophy. Identifiers: Orphanet 71862, MedGen C0854723, MeSH D058499, MONDO:0019118, HP:0000556.

gnomAD v4.1: 14 of 1,613,006 alleles (0.00087%); highest among the groups gnomAD compares: South Asian, 0.0033%; no homozygotes.

Submissions (2):

Labcorp Genetics (formerly Invitae), Labcorp
Classification: Uncertain significance. Last evaluated: 2024-09-09. Review status: criteria provided, single submitter. Criteria: Invitae Variant Classification Sherloc (09022015). Collection method: clinical testing. Allele origin: germline.
Comment: This sequence change replaces aspartic acid, which is acidic and polar, with asparagine, which is neutral and polar, at codon 781 of the RBP3 protein (p.Asp781Asn). This variant is present in population databases (rs145285304, gnomAD 0.003%). This variant has not been reported in the literature in individuals affected with RBP3-related conditions. ClinVar contains an entry for this variant (Variation ID: 2155953). An algorithm developed to predict the effect of missense changes on protein structure and function (PolyPhen-2) suggests that this variant is likely to be disruptive. In summary, the available evidence is currently insufficient to determine the role of this variant in disease. Therefore, it has been classified as a Variant of Uncertain Significance.

Dept Of Ophthalmology, Nagoya University
Classification: Uncertain significance for Retinal dystrophy. Last evaluated: 2023-10-01. Review status: criteria provided, single submitter. Criteria: Submitter's publication. Collection method: research. Allele origin: germline. Affected: yes.